The following is an entry in ClinVar:

NM_001171613.2(PREPL):c.-49+1696C>A

Gene: PREPL (prolyl endopeptidase like; minus strand). Cytogenetic location: 2p21.
Variant type: single nucleotide variant.
Coding change: c.-49+1696C>A on transcript NM_001171613.2 (MANE Select); 1696 bases into the intron after 49 bases upstream of the start codon, C replaced by A.
Molecular consequence: intron variant. On other transcripts: missense variant (7).
Genome position (GRCh38, 1-based): chr2:44,359,684, G>T on the plus strand (C>A on the coding strand, the complement: PREPL is on the minus strand). VCF-style: chr2-44359684-G-T. GRCh37 (hg19) VCF-style: chr2-44586823-G-T.
Other names: c.32C>A, p.Ala11Asp (NM_001042385.2, NM_001042386.2, NM_001171603.1 and 4 more transcripts); c.-49+1840C>A (NM_001171617.1); c.-49+1733C>A (NM_001374277.1); short protein forms A11D.
Identifiers: ClinVar variation 1944066 (VCV001944066.5), dbSNP rs1283305664, ClinGen allele CA346695138.

ClinVar aggregate classification (germline): Uncertain significance (1 of 4 stars; one submission).

Conditions:
Myasthenic syndrome, congenital, 22 (CMS22). Also called: PREPL DEFICIENCY. Identifiers: MedGen C4479088, MONDO:0044299, OMIM 616224.

Allele frequency attached by ClinVar (database versions not stated): TOPMed below 0.00001.
gnomAD v4.1: 1 of 1,612,884 alleles (0.000062%); highest among the groups gnomAD compares: Non-Finnish European, 0.000085%; no homozygotes.

Submission:

Labcorp Genetics (formerly Invitae), Labcorp
Classification: Uncertain significance for Myasthenic syndrome, congenital, 22. Last evaluated: 2021-12-28. Review status: criteria provided, single submitter. Criteria: Invitae Variant Classification Sherloc (09022015). Collection method: clinical testing. Allele origin: germline.
Comment: Algorithms developed to predict the effect of missense changes on protein structure and function are either unavailable or do not agree on the potential impact of this missense change (SIFT: "Deleterious"; PolyPhen-2: "Benign"; Align-GVGD: "Class C0"). In summary, the available evidence is currently insufficient to determine the role of this variant in disease. Therefore, it has been classified as a Variant of Uncertain Significance. This sequence change replaces alanine, which is neutral and non-polar, with aspartic acid, which is acidic and polar, at codon 11 of the PREPL protein (p.Ala11Asp). This variant is not present in population databases (gnomAD no frequency). This variant has not been reported in the literature in individuals affected with PREPL-related conditions.